The following is an entry in ClinVar:

NM_002693.3(POLG):c.212A>G (p.His71Arg)

Genes: POLG (DNA polymerase gamma, catalytic subunit; minus strand), POLGARF (POLG alternative reading frame; minus strand). Cytogenetic location: 15q26.1.
Variant type: single nucleotide variant.
Coding change: c.212A>G on transcript NM_002693.3 (MANE Select); coding-DNA position 212, A replaced by G.
Protein change: p.His71Arg; replaces histidine 71 with arginine.
Molecular consequence: missense variant.
Genome position (GRCh38, 1-based): chr15:89,333,543, T>C on the plus strand (A>G on the coding strand, the complement: POLG is on the minus strand). VCF-style: chr15-89333543-T-C. GRCh37 (hg19) VCF-style: chr15-89876774-T-C.
Other names: c.212A>G, p.His71Arg (NM_001126131.2); short protein forms H71R.
Identifiers: ClinVar variation 2767084 (VCV002767084.3), dbSNP rs2509276490, ClinGen allele CA393773574.
Genomic context (GRCh38, chr15:89,333,543, plus strand): 5'-CCTTGCCCGAAGATTTGCTCGTGCAGCCCTCTCGAGAGCATCTGGATGTCCAATGGGTTG[T>C]GCCGCAGCTGCCCGCCCTCCGAGGATAGCACTTGCGGCTGCTGAGGCTGCTGTTGCTGCT-3'
Protein context (NP_002684.1, residues 61-81): VLSSEGGQLR[His71Arg]NPLDIQMLSR

ClinVar aggregate classification (germline): Uncertain significance (1 of 4 stars; one submission).

Conditions:
Progressive sclerosing poliodystrophy (MTDPS4A). Also called: ALPERS PROGRESSIVE INFANTILE POLIODYSTROPHY; NEURONAL DEGENERATION OF CHILDHOOD WITH LIVER DISEASE, PROGRESSIVE; Alpers Syndrome; ALPERS DIFFUSE DEGENERATION OF CEREBRAL GRAY MATTER WITH HEPATIC CIRRHOSIS; Alpers-Huttenlocher Syndrome; Mitochondrial DNA depletion syndrome 4A (Alpers type). Identifiers: Orphanet 726, MedGen C0205710, MONDO:0008758, OMIM 203700.

Allele frequency attached by ClinVar (database versions not stated): gnomAD exomes 0.00001.
gnomAD v4.1: 7 of 1,612,662 alleles (0.00043%); highest among the groups gnomAD compares: Non-Finnish European, 0.00059%; no homozygotes.

Submission:

Labcorp Genetics (formerly Invitae), Labcorp
Classification: Uncertain significance for Progressive sclerosing poliodystrophy. Last evaluated: 2023-11-24. Review status: criteria provided, single submitter. Criteria: Invitae Variant Classification Sherloc (09022015). Collection method: clinical testing. Allele origin: germline.
Comment: This sequence change replaces histidine, which is basic and polar, with arginine, which is basic and polar, at codon 71 of the POLG protein (p.His71Arg). This variant is not present in population databases (gnomAD no frequency). This variant has not been reported in the literature in individuals affected with POLG-related conditions. Advanced modeling of protein sequence and biophysical properties (such as structural, functional, and spatial information, amino acid conservation, physicochemical variation, residue mobility, and thermodynamic stability) performed at Invitae indicates that this missense variant is not expected to disrupt POLG protein function with a negative predictive value of 95%. In summary, the available evidence is currently insufficient to determine the role of this variant in disease. Therefore, it has been classified as a Variant of Uncertain Significance.